The following is an entry in ClinVar:

NM_000146.4(FTL):c.-161C>T

Gene: FTL (ferritin light chain; plus strand). Cytogenetic location: 19q13.33.
Variant type: single nucleotide variant.
Coding change: c.-161C>T on transcript NM_000146.4 (MANE Select); 161 bases upstream of the start codon, C replaced by T.
Molecular consequence: 5 prime UTR variant.
Genome position (GRCh38, 1-based): chr19:48,965,347, C>T. VCF-style: chr19-48965347-C-T. GRCh37 (hg19) VCF-style: chr19-49468604-C-T.
Other names: -161C-T.
Identifiers: ClinVar variation 16480 (VCV000016480.30), dbSNP rs398124636, ClinGen allele CA126555.

ClinVar aggregate classification (germline): Pathogenic/Likely pathogenic. Review status: criteria provided, multiple submitters, no conflicts (2 of 4 stars). 9 submissions from 9 submitters: Pathogenic (6); Likely pathogenic (2). 1 of the submissions does not count toward it. Last evaluated 2026-02-23.

Conditions:
Iron metabolism disorders.
Bilateral congenital or childhood onset cataracts.
FTL-related disorder. Also called: FTL-related condition.
FTL-related disorders.
Neuroferritinopathy (NBIA3). Also called: NEURODEGENERATION WITH BRAIN IRON ACCUMULATION 3; BASAL GANGLIA DISEASE, ADULT-ONSET. Identifiers: Orphanet 157846, MedGen C1853578, MONDO:0011638, OMIM 606159.
Hereditary hyperferritinemia with congenital cataracts. Also called: Hereditary hyperferritinemia cataract syndrome; Bonneau-Beaumont syndrome; HYPERFERRITINEMIA WITH OR WITHOUT CATARACT. Identifiers: Orphanet 163, MedGen C1833213, MONDO:0010952, OMIM 600886.
L-ferritin deficiency (LFTD). Also called: L-FERRITIN DEFICIENCY, AUTOSOMAL DOMINANT. Identifiers: Orphanet 440731, MedGen C3810090, MONDO:0014274, OMIM 615604.

Allele frequency attached by ClinVar (database versions not stated): gnomAD exomes below 0.00001.
gnomAD v4.1: 1 of 680,376 alleles (0.00015%); highest among the groups gnomAD compares: Non-Finnish European, 0.00027%; no homozygotes.

Submissions (9):

North West Genomic Laboratory Hub, Manchester University NHS Foundation Trust
Classification: Pathogenic for Bilateral congenital or childhood onset cataracts; Iron metabolism disorders. Last evaluated: 2026-02-23. Review status: criteria provided, single submitter. Criteria: ACGS Best Practice Guidelines for Variant Classification in Rare Disease 2020. Collection method: clinical testing. Allele origin: germline. Affected: yes.
Comment: PM2_Mod PS4_Mod PP4_Supp PP1_Str PM6_Supp

Labcorp Genetics (formerly Invitae), Labcorp
Classification: Pathogenic for Neuroferritinopathy; Hereditary hyperferritinemia with congenital cataracts. Last evaluated: 2025-09-30. Review status: criteria provided, single submitter. Criteria: Invitae Variant Classification Sherloc (09022015). Collection method: clinical testing. Allele origin: germline.
Comment: This variant occurs in a non-coding region of the FTL gene. It does not change the encoded amino acid sequence of the FTL protein. This variant is not present in population databases (gnomAD no frequency). This variant has been observed in individual(s) with FTL-related conditions (PMID: 9414313, 10366790, 10366804; internal data). In at least one individual the variant was observed to be de novo. This variant is also known as +39C>U, +39C>T. ClinVar contains an entry for this variant (Variation ID: 16480). Algorithms developed to predict the effect of variants on gene product structure and function are not available or were not evaluated for this variant. Experimental studies have shown that this variant affects FTL function (PMID: 8233801). For these reasons, this variant has been classified as Pathogenic.

PreventionGenetics, part of Exact Sciences
Classification: Pathogenic for FTL-related condition. Last evaluated: 2024-11-04. Review status: criteria provided, single submitter. Criteria: ACMG Guidelines, 2015. Collection method: clinical testing. Allele origin: germline.
Comment: The FTL c.-161C>T variant is located in the 5' untranslated region. This variant has been reported in an individual with hereditary hyperferritinemia-cataract syndrome (described as +39 in kindred 1 in Mumford et al. 1998. PubMed ID: 9414313). This variant occurs within a highly conserved non-coding region known as the iron regulatory element, and other variants within this region, including additional variants at this position (c.-161C>A, c.-161C>G), have also been observed in patients with FTL-related disorders (Garderet et al. 2004. PubMed ID: 15234655; McLeod et al. 2002. PubMed ID: 12199804). This variant has not been reported in a large population database (gnomAD), indicating this variant is rare. This variant is interpreted as pathogenic.

CeGaT Center for Human Genetics Tuebingen
Classification: Pathogenic. Last evaluated: 2024-07-01. Review status: criteria provided, single submitter. Criteria: CeGaT Center For Human Genetics Tuebingen Variant Classification Criteria Version 2. Collection method: clinical testing. Allele origin: germline. Affected: yes. Observed: 1 variant allele.
Comment: FTL: PS2, PM2, PS4:Moderate, PP4, PS3:Supporting

Blueprint Genetics
Classification: Pathogenic for FTL-related disorders. Last evaluated: 2023-11-24. Review status: criteria provided, single submitter. Criteria: ACMG Guidelines, 2015. Collection method: clinical testing. Allele origin: germline. Affected: yes. Observed: 2 variant alleles.

Broad Center for Mendelian Genomics, Broad Institute of MIT and Harvard
Classification: Likely pathogenic for Hereditary hyperferritinemia with congenital cataracts. Last evaluated: 2023-05-02. Review status: criteria provided, single submitter. Criteria: ACMG Guidelines, 2015. Collection method: curation. Allele origin: germline. Inheritance: Autosomal dominant inheritance.
Comment: The c.-161C>T variant in FTL has been previously reported in three individuals with hereditary hyperferritinemia with congenital cataracts (PMID: 10366790, PMID: 9414313, PMID: 10366804). This variant was found to be de novo in one individual with confirmed paternity and maternity (PMID: 10366804). This variant was absent from large population studies. The number of reported affected individuals with this variant is slightly greater than expected compared to non-affected individuals with this variant. This variant has also been reported in ClinVar (Variation ID: 16480) and has been interpreted as pathogenic by Invitae and OMIM. In vitro functional studies provide some evidence that the c.-161C>T variant may impact protein function (PMID: 8233801). However, these types of assays may not accurately represent biological function. Multiple variants in the same region as c.-161C>T variant have been reported in association with disease in the literature and the c.-161C>T variant is located in the iron-responsive element (IRE) domain of FTL, which is involved in regulating L-ferritin expression, suggesting suggesting that this variant is in a hot spot and key functional domain and slightly supports pathogenicity (PMID: 19800271, 7493028, 23421845, 10383191, 22881709, 9226182). In summary, although additional studies are required to fully establish its clinical significance, this variant is likely pathogenic for autosomal dominant hereditary hyperferritinemia with congenital cataracts. ACMG/AMP Criteria applied: PS2, PS3_Supporting, PS4_Supporting, PM1_Supporting, PM2_Supporting (Richards 2015).

Clinical Genetics Laboratory, Skane University Hospital Lund
Classification: Pathogenic. Last evaluated: 2022-05-27. Review status: criteria provided, single submitter. Criteria: ACMG Guidelines, 2015. Collection method: clinical testing. Allele origin: germline. Affected: yes.

Fulgent Genetics
Classification: Likely pathogenic for Hereditary hyperferritinemia with congenital cataracts; Neuroferritinopathy; L-ferritin deficiency. Last evaluated: 2021-09-05. Review status: criteria provided, single submitter. Criteria: ACMG Guidelines, 2015. Collection method: clinical testing. Allele origin: unknown.

OMIM
Classification: Pathogenic for HYPERFERRITINEMIA WITH OR WITHOUT CATARACT. Last evaluated: 2013-02-19. Review status: no assertion criteria provided. Collection method: literature only. Allele origin: germline. Not counted in ClinVar's aggregate classification.

Literature cited by the submitters: PubMed 9414313 (cited by Labcorp Genetics (formerly Invitae), Labcorp and OMIM); PubMed 10366790 (cited by Labcorp Genetics (formerly Invitae), Labcorp); PubMed 10366804 (cited by Labcorp Genetics (formerly Invitae), Labcorp); PubMed 8233801 (cited by Labcorp Genetics (formerly Invitae), Labcorp); PubMed 23421845 (cited by OMIM); PubMed 12199804 (cited by OMIM).